The following is an entry in ClinVar:

NM_012469.4(PRPF6):c.2205+5G>A

Gene: PRPF6 (pre-mRNA processing factor 6; plus strand). Cytogenetic location: 20q13.33.
Variant type: single nucleotide variant.
Coding change: c.2205+5G>A on transcript NM_012469.4 (MANE Select); 5 bases into the intron after coding-DNA position 2205, G replaced by A.
Molecular consequence: intron variant.
Genome position (GRCh38, 1-based): chr20:64,027,163, G>A. VCF-style: chr20-64027163-G-A. GRCh37 (hg19) VCF-style: chr20-62658516-G-A.
Identifiers: ClinVar variation 2083196 (VCV002083196.5), dbSNP rs190449971, ClinGen allele CA636635958.

ClinVar aggregate classification (germline): Uncertain significance. Review status: criteria provided, multiple submitters, no conflicts (2 of 4 stars). 2 submissions from 2 submitters: Uncertain significance (2). Last evaluated 2025-07-30.

gnomAD v4.1: 36 of 1,612,714 alleles (0.0022%); highest among the groups gnomAD compares: East Asian, 0.0045%; 1 homozygote.

Submissions (2):

Labcorp Genetics (formerly Invitae), Labcorp
Classification: Uncertain significance. Last evaluated: 2025-07-30. Review status: criteria provided, single submitter. Criteria: Invitae Variant Classification Sherloc (09022015). Collection method: clinical testing. Allele origin: germline.
Comment: This sequence change falls in intron 16 of the PRPF6 gene. It does not directly change the encoded amino acid sequence of the PRPF6 protein. It affects a nucleotide within the consensus splice site. This variant is present in population databases (no rsID available, gnomAD 0.007%). This variant has not been reported in the literature in individuals affected with PRPF6-related conditions. ClinVar contains an entry for this variant (Variation ID: 2083196). Variants that disrupt the consensus splice site are a relatively common cause of aberrant splicing (PMID: 17576681, 9536098). Algorithms developed to predict the effect of sequence changes on RNA splicing suggest that this variant may disrupt the consensus splice site. In summary, the available evidence is currently insufficient to determine the role of this variant in disease. Therefore, it has been classified as a Variant of Uncertain Significance.

Blueprint Genetics
Classification: Uncertain significance. Last evaluated: 2024-03-12. Review status: criteria provided, single submitter. Criteria: ACMG Guidelines, 2015. Collection method: clinical testing. Allele origin: germline.

Literature cited by the submitters: PubMed 17576681 (cited by Labcorp Genetics (formerly Invitae), Labcorp); PubMed 9536098 (cited by Labcorp Genetics (formerly Invitae), Labcorp).